The following is an entry in ClinVar:

NM_001267550.2(TTN):c.68463_68466dup (p.Leu22823fs)

Genes: TTN (titin; minus strand), TTN-AS1 (TTN antisense RNA 1; plus strand). Cytogenetic location: 2q31.2.
Variant type: Microsatellite.
Coding change: c.68463_68466dup on transcript NM_001267550.2 (MANE Select); coding-DNA positions 68463 to 68466, 4 bases duplicated (CAAT; older notation c.68463_68466dupCAAT).
Protein change: p.Leu22823fs; shifts the reading frame from leucine 22823.
Molecular consequence: frameshift variant.
Genome position (GRCh38, 1-based): chr2:178,578,049-178,578,052, ATTG duplicated on the plus strand (CAAT on the coding strand, the reverse complement: TTN is on the minus strand); duplicating any 4 consecutive bases within chr2:178,578,049-178,578,056 gives the same sequence; the c. name uses the placement nearest the transcript's 3' end. VCF-style (leftmost placement, unchanged base first): chr2-178578048-A-AATTG. GRCh37 (hg19) VCF-style: chr2-179442775-A-AATTG.
Other names: c.41268_41271dupCAAT (NM_003319.4); c.63540_63543dup, p.Leu21182fs (NM_001256850.1); c.41268_41271dup, p.Leu13758fs (NM_003319.4); c.60759_60762dup, p.Leu20255fs (NM_133378.4); c.41643_41646dup, p.Leu13883fs (NM_133432.3); c.41844_41847dup, p.Leu13950fs (NM_133437.4); short protein forms L20255fs, L22823fs, L13758fs, L13883fs, L13950fs, L21182fs.
Identifiers: ClinVar variation 2937966 (VCV002937966.4), dbSNP rs2468812406, ClinGen allele CA2577170821.
Genomic context (GRCh38, chr2:178,578,048, plus strand): 5'-CAATTGGGTCCAGTGCCACAACAGGCTCTGATGGTAGGCTTGGCTTGCCCACACCTGCTA[A>AATTG]ATTGATTGCCATAACTCGGAATTCATATTCAAGACCTTCAGTTAATCCTGTCACTTTAAA-3'

ClinVar aggregate classification (germline): Pathogenic/Likely pathogenic. Review status: criteria provided, multiple submitters, no conflicts (2 of 4 stars). 2 submissions from 2 submitters: Pathogenic (1); Likely pathogenic (1). Last evaluated 2026-08-05.

Conditions:
Dilated cardiomyopathy 1G (CMD1G). Identifiers: Orphanet 154, MedGen C1858763, MONDO:0011400, OMIM 604145.
Autosomal recessive limb-girdle muscular dystrophy type 2J (LGMDR10). Also called: Limb-girdle muscular dystrophy, type 2J; MUSCULAR DYSTROPHY, LIMB-GIRDLE, AUTOSOMAL RECESSIVE 10. Identifiers: Orphanet 140922, MedGen C1837342, MONDO:0012127, OMIM 608807.
Cardiovascular phenotype. Identifiers: MedGen CN230736.

Submissions (2):

Ambry Genetics
Classification: Likely pathogenic for Cardiovascular phenotype. Last evaluated: 2026-08-05. Review status: criteria provided, single submitter. Criteria: Ambry Variant Classification Scheme 2023. Collection method: clinical testing. Allele origin: germline.
Comment: The c.41268_41271dupCAAT variant, located in coding exon 149 of the TTN gene, results from a duplication of CAAT at nucleotide position 41268, causing a translational frameshift with a predicted alternate stop codon (p.L13758Qfs*22). This exon is located in the A-band region of the N2-B isoform of the titin protein and is constitutively expressed in TTN transcripts (percent spliced in or PSI 100%). This variant was reported in individual(s) with dilated cardiomyopathy (Ambry internal data). This variant is considered to be rare based on population cohorts in the Genome Aggregation Database (gnomAD). This variant is expected to result in loss of function by premature protein truncation or nonsense-mediated mRNA decay. While truncating variants in TTN are present in 1-3% of the general population, truncating variants in the A-band are the most common cause of dilated cardiomyopathy (Herman DS et al. N. Engl. J. Med., 2012 Feb;366:619-28; Roberts AM et al. Sci Transl Med, 2015 Jan;7:270ra6). TTN truncating variants encoded in constitutive exons (PSI >90%) have been found to be significantly associated with DCM regardless of their position in titin (Schafer S et al. Nat. Genet., 2017 01;49:46-53; Akhtar MM et al. Circ Heart Fail, 2020 Oct;13:e006832; Massier M et al. Clin Genet, 2025 Jan). Based on the majority of available evidence to date, this variant is likely to be pathogenic.

Labcorp Genetics (formerly Invitae), Labcorp
Classification: Pathogenic for Dilated cardiomyopathy 1G; Autosomal recessive limb-girdle muscular dystrophy type 2J. Last evaluated: 2025-10-30. Review status: criteria provided, single submitter. Criteria: Invitae Variant Classification Sherloc (09022015). Collection method: clinical testing. Allele origin: germline.
Comment: This sequence change creates a premature translational stop signal (p.Leu22823Glnfs*22) in the TTN gene. While this is not anticipated to result in nonsense mediated decay, it is expected to create a truncated TTN protein. This variant is not present in population databases (gnomAD no frequency). This premature translational stop signal has been observed in individuals with clinical features of autosomal dominant dilated cardiomyopathy and/or autosomal recessive muscular dystrophy (internal data). ClinVar contains an entry for this variant (Variation ID: 2937966). This variant is located in the A band of TTN (PMID: 25589632). Truncating variants in this region are significantly overrepresented in patients affected with dilated cardiomyopathy (PMID: 25589632). Truncating variants in this region have also been reported in individuals affected with autosomal recessive centronuclear myopathy (PMID: 23975875). For these reasons, this variant has been classified as Pathogenic.

Literature cited by the submitters: PubMed 25589632 (cited by Labcorp Genetics (formerly Invitae), Labcorp); PubMed 23975875 (cited by Labcorp Genetics (formerly Invitae), Labcorp).